The following is an entry in ClinVar:

NM_016417.3(GLRX5):c.82G>C (p.Gly28Arg)

Gene: GLRX5 (glutaredoxin 5; plus strand). Cytogenetic location: 14q32.13.
Variant type: single nucleotide variant.
Coding change: c.82G>C on transcript NM_016417.3 (MANE Select); coding-DNA position 82, G replaced by C.
Protein change: p.Gly28Arg; replaces glycine 28 with arginine.
Molecular consequence: missense variant.
Genome position (GRCh38, 1-based): chr14:95,535,171, G>C. VCF-style: chr14-95535171-G-C. GRCh37 (hg19) VCF-style: chr14-96001508-G-C.
Other names: short protein forms G28R.
Identifiers: ClinVar variation 2101179 (VCV002101179.4), dbSNP rs1469287501, ClinGen allele CA390896273.

ClinVar aggregate classification (germline): Uncertain significance (1 of 4 stars; one submission).

Allele frequency attached by ClinVar (database versions not stated): gnomAD exomes below 0.00001.
gnomAD v4.1: 1 of 1,461,282 alleles (0.000068%); highest among the groups gnomAD compares: Admixed American, 0.0024%; no homozygotes.

Submission:

Labcorp Genetics (formerly Invitae), Labcorp
Classification: Uncertain significance. Last evaluated: 2022-02-21. Review status: criteria provided, single submitter. Criteria: Invitae Variant Classification Sherloc (09022015). Collection method: clinical testing. Allele origin: germline.
Comment: This sequence change replaces glycine, which is neutral and non-polar, with arginine, which is basic and polar, at codon 28 of the GLRX5 protein (p.Gly28Arg). The frequency data for this variant in the population databases is considered unreliable, as metrics indicate poor data quality at this position in the gnomAD database. This variant has not been reported in the literature in individuals affected with GLRX5-related conditions. Algorithms developed to predict the effect of missense changes on protein structure and function are either unavailable or do not agree on the potential impact of this missense change (SIFT: "Tolerated"; PolyPhen-2: "Not Available"; Align-GVGD: "Class C0"). In summary, the available evidence is currently insufficient to determine the role of this variant in disease. Therefore, it has been classified as a Variant of Uncertain Significance.